The following is an entry in ClinVar:

ClinVar aggregate classification (germline): Likely pathogenic (1 of 4 stars; one submission).

Allele frequency attached by ClinVar (database versions not stated): TOPMed below 0.00001; gnomAD 0.00001; ESP Exome Variant Server 0.00008.
gnomAD v4.1: 5 of 1,546,244 alleles (0.00032%); highest among the groups gnomAD compares: African/African-American, 0.0068%; no homozygotes.

Submission:

Labcorp Genetics (formerly Invitae), Labcorp
Classification: Likely pathogenic. Last evaluated: 2023-10-11. Review status: criteria provided, single submitter. Criteria: Invitae Variant Classification Sherloc (09022015). Collection method: clinical testing. Allele origin: germline.
Comment: This sequence change affects a donor splice site in intron 5 of the OTOGL gene. It is expected to disrupt RNA splicing. Variants that disrupt the donor or acceptor splice site typically lead to a loss of protein function (PMID: 16199547), and loss-of-function variants in OTOGL are known to be pathogenic (PMID: 23122586). This variant is present in population databases (rs377761767, gnomAD 0.007%). This variant has not been reported in the literature in individuals affected with OTOGL-related conditions. ClinVar contains an entry for this variant (Variation ID: 1066218). Algorithms developed to predict the effect of sequence changes on RNA splicing suggest that this variant may disrupt the consensus splice site. In summary, the currently available evidence indicates that the variant is pathogenic, but additional data are needed to prove that conclusively. Therefore, this variant has been classified as Likely Pathogenic.

Literature cited by the submitters: PubMed 16199547; PubMed 23122586.

NM_001378609.3(OTOGL):c.334+1G>C

Gene: OTOGL (otogelin like; plus strand). Cytogenetic location: 12q21.31.
Variant type: single nucleotide variant.
Coding change: c.334+1G>C on transcript NM_001378609.3 (MANE Select); the canonical splice donor site of the intron after coding-DNA position 334, G replaced by C.
Molecular consequence: splice donor variant.
Genome position (GRCh38, 1-based): chr12:80,219,913, G>C. VCF-style: chr12-80219913-G-C. GRCh37 (hg19) VCF-style: chr12-80613693-G-C.
Other names: c.334+1G>C (NM_001368062.3, NM_001378610.3, NM_173591.7).
Identifiers: ClinVar variation 1066218 (VCV001066218.7), dbSNP rs377761767, ClinGen allele CA6700130.